The following is an entry in ClinVar:

NM_004946.3(DOCK2):c.3371A>G (p.Asp1124Gly)

Gene: DOCK2 (dedicator of cytokinesis 2; plus strand). Cytogenetic location: 5q35.1.
Variant type: single nucleotide variant.
Coding change: c.3371A>G on transcript NM_004946.3 (MANE Select); coding-DNA position 3371, A replaced by G.
Protein change: p.Asp1124Gly; replaces aspartic acid 1124 with glycine.
Molecular consequence: missense variant. On other transcripts: non-coding transcript variant (1).
Genome position (GRCh38, 1-based): chr5:170,019,098, A>G. VCF-style: chr5-170019098-A-G. GRCh37 (hg19) VCF-style: chr5-169446102-A-G.
Other names: short protein forms D1124G.
Identifiers: ClinVar variation 3015584 (VCV003015584.3), dbSNP rs1261156670, ClinGen allele CA362105418.

ClinVar aggregate classification (germline): Uncertain significance (1 of 4 stars; one submission).

Conditions:
DOCK2 deficiency. Also called: Immunodeficiency 40. Identifiers: Orphanet 447737, MedGen C4225328, MONDO:0014637, OMIM 616433.

Allele frequency attached by ClinVar (database versions not stated): TOPMed below 0.00001; gnomAD exomes 0.00001.
gnomAD v4.1: 7 of 1,614,036 alleles (0.00043%); highest among the groups gnomAD compares: Non-Finnish European, 0.00059%; no homozygotes.

Submission:

Labcorp Genetics (formerly Invitae), Labcorp
Classification: Uncertain significance for DOCK2 deficiency. Last evaluated: 2023-02-07. Review status: criteria provided, single submitter. Criteria: Invitae Variant Classification Sherloc (09022015). Collection method: clinical testing. Allele origin: germline.
Comment: Algorithms developed to predict the effect of missense changes on protein structure and function (SIFT, PolyPhen-2, Align-GVGD) all suggest that this variant is likely to be tolerated. In summary, the available evidence is currently insufficient to determine the role of this variant in disease. Therefore, it has been classified as a Variant of Uncertain Significance. This variant has not been reported in the literature in individuals affected with DOCK2-related conditions. This sequence change replaces aspartic acid, which is acidic and polar, with glycine, which is neutral and non-polar, at codon 1124 of the DOCK2 protein (p.Asp1124Gly). This variant is not present in population databases (gnomAD no frequency).